The following is an entry in ClinVar:

NM_174936.4(PCSK9):c.687C>T (p.His229=)

Gene: PCSK9 (proprotein convertase subtilisin/kexin type 9; plus strand). Cytogenetic location: 1p32.3.
Variant type: single nucleotide variant.
Coding change: c.687C>T on transcript NM_174936.4 (MANE Select); coding-DNA position 687, C replaced by T.
Protein change: p.His229=; no amino-acid change (histidine 229 retained).
Molecular consequence: synonymous variant. On other transcripts: non-coding transcript variant (8).
Genome position (GRCh38, 1-based): chr1:55,052,679, C>T. VCF-style: chr1-55052679-C-T. GRCh37 (hg19) VCF-style: chr1-55518352-C-T.
Other names: c.810C>T, p.His270= (NM_001407240.1); c.687C>T, p.His229= (NM_001407241.1, NM_001407244.1, NM_001407247.1); c.690C>T, p.His230= (NM_001407242.1); c.630C>T, p.His210= (NM_001407243.1); c.495C>T, p.His165= (NM_001407245.1); c.312C>T, p.His104= (NM_001407246.1).
Identifiers: ClinVar variation 3069985 (VCV003069985.1), dbSNP rs1186303170, ClinGen allele CA418180883.

ClinVar aggregate classification (germline): Likely benign (1 of 4 stars; one submission).

Conditions:
Hypercholesterolemia, autosomal dominant, 3 (FHCL3). Also called: PCSK9-Related Familial Hypercholesterolemia, Autosomal Dominant; Familial Hypercholesterolemia, Autosomal Dominant, 3; Familial hypercholesterolemia 3. Identifiers: MedGen C1863551, MONDO:0011369, OMIM 603776.

Allele frequency attached by ClinVar (database versions not stated): gnomAD 0.00001; TOPMed 0.00001.
gnomAD v4.1: 1 of 1,613,078 alleles (0.000062%); highest among the groups gnomAD compares: African/African-American, 0.0013%; no homozygotes.

Submission:

All of Us Research Program, National Institutes of Health
Classification: Likely benign for Hypercholesterolemia, autosomal dominant, 3. Last evaluated: 2023-03-23. Review status: criteria provided, single submitter. Criteria: ACMG Guidelines, 2015. Collection method: clinical testing. Allele origin: germline. Inheritance: Autosomal dominant inheritance. Observed: 1 variant allele, 1 heterozygote.
Comment: This study involves interpretation of variants in research participants for the purpose of population health screening. Participant phenotype was not available at the time of variant classification. Additional details can be found in publication PMID: 35346344, PMCID: PMC8962531